The following is an entry in ClinVar:

ClinVar aggregate classification (germline): Likely benign. Review status: criteria provided, multiple submitters, no conflicts (2 of 4 stars). 2 submissions from 2 submitters: Likely benign (2). Last evaluated 2025-11-27.

Conditions:
Familial thoracic aortic aneurysm and aortic dissection (TAAD). Also called: Thoracic aortic aneurysms and dissections. Identifiers: Orphanet 91387, MedGen C4707243, MONDO:0019625.
Aortic aneurysm, familial thoracic 6 (AAT6). Also called: FAMILIAL THORACIC AORTIC ANEURYSM WITH LIVEDO RETICULARIS AND IRIS FLOCCULI. Identifiers: MedGen C2673186, MONDO:0012730, OMIM 611788.

Allele frequency attached by ClinVar (database versions not stated): gnomAD exomes below 0.00001; TOPMed below 0.00001; ESP Exome Variant Server 0.00008.
gnomAD v4.1: 1 of 1,614,122 alleles (0.000062%); highest among the groups gnomAD compares: Non-Finnish European, 0.000085%; no homozygotes.

Submissions (2):

Labcorp Genetics (formerly Invitae), Labcorp
Classification: Likely benign for Aortic aneurysm, familial thoracic 6. Last evaluated: 2025-11-27. Review status: criteria provided, single submitter. Criteria: Invitae Variant Classification Sherloc (09022015). Collection method: clinical testing. Allele origin: germline.

All of Us Research Program, National Institutes of Health
Classification: Likely benign for Familial thoracic aortic aneurysm and aortic dissection. Last evaluated: 2024-05-14. Review status: criteria provided, single submitter. Criteria: ACMG Guidelines, 2015. Collection method: clinical testing. Allele origin: germline. Inheritance: Autosomal dominant inheritance. Observed: 2 variant alleles, 2 heterozygotes.
Comment: This study involves interpretation of variants in research participants for the purpose of population health screening. Participant phenotype was not available at the time of variant classification. Additional details can be found in publication PMID: 35346344, PMCID: PMC8962531

NM_001613.4(ACTA2):c.702C>T (p.Ser234=)

Genes: ACTA2 (actin alpha 2, smooth muscle; minus strand), ACTA2-AS1 (ACTA2 antisense RNA 1; plus strand). Cytogenetic location: 10q23.31.
Variant type: single nucleotide variant.
Coding change: c.702C>T on transcript NM_001613.4 (MANE Select); coding-DNA position 702, C replaced by T.
Protein change: p.Ser234=; no amino-acid change (serine 234 retained).
Molecular consequence: synonymous variant. On other transcripts: non-coding transcript variant (1), intron variant (1).
Genome position (GRCh38, 1-based): chr10:88,939,613, G>A on the plus strand (C>T on the coding strand, the complement: ACTA2 is on the minus strand). VCF-style: chr10-88939613-G-A. GRCh37 (hg19) VCF-style: chr10-90699370-G-A.
Other names: c.702C>T, p.Ser234= (NM_001141945.3, NM_001320855.2, NM_001406462.1 and 2 more transcripts); c.591C>T, p.Ser197= (NM_001406466.1); c.573C>T, p.Ser191= (NM_001406467.1, NM_001406468.1, NM_001406469.1); c.617-1371C>T (NM_001406471.1).
Identifiers: ClinVar variation 3070516 (VCV003070516.3), dbSNP rs370242090, ClinGen allele CA211319305.
Genomic context (GRCh38, chr10:88,939,613, plus strand): 5'-ATTTCCGATGGTGATCACTTGCCCATCAGGCAACTCGTAACTCTTCTCAAGGGAGGATGA[G>A]GATGCGGCAGTGGCCATCTCATTTTCAAAGTCCAGAGCTACATAACACAGTTTCTCCTTG-3'
Protein context (NP_001604.1, residues 224-244): DFENEMATAA[Ser234=]SSSLEKSYEL